The following is an entry in ClinVar:

ClinVar aggregate classification (germline): Uncertain significance (1 of 4 stars; one submission).

Conditions:
Tuberous sclerosis 2 (TSC2). Identifiers: Orphanet 805, MedGen C1860707, MONDO:0013199, OMIM 613254.

Submission:

Labcorp Genetics (formerly Invitae), Labcorp
Classification: Uncertain significance for Tuberous sclerosis 2. Last evaluated: 2017-07-27. Review status: criteria provided, single submitter. Criteria: Invitae Variant Classification Sherloc (09022015). Collection method: clinical testing. Allele origin: germline.
Comment: This sequence change replaces lysine with methionine at codon 1345 of the TSC2 protein (p.Lys1345Met). The lysine residue is moderately conserved and there is a moderate physicochemical difference between lysine and methionine. This variant is not present in population databases (ExAC no frequency). This variant has not been reported in the literature in individuals with TSC2-related disease. Algorithms developed to predict the effect of missense changes on protein structure and function do not agree on the potential impact of this missense change (SIFT: "Deleterious"; PolyPhen-2: "Possibly Damaging"; Align-GVGD: "Class C0"). In summary, the available evidence is currently insufficient to determine the role of this variant in disease. Therefore, it has been classified as a Variant of Uncertain Significance.

NM_000548.5(TSC2):c.4034A>T (p.Lys1345Met)

Gene: TSC2 (TSC complex subunit 2; plus strand). Cytogenetic location: 16p13.3.
Variant type: single nucleotide variant.
Coding change: c.4034A>T on transcript NM_000548.5 (MANE Select); coding-DNA position 4034, A replaced by T.
Protein change: p.Lys1345Met; replaces lysine 1345 with methionine.
Molecular consequence: missense variant.
Genome position (GRCh38, 1-based): chr16:2,084,256, A>T. VCF-style: chr16-2084256-A-T. GRCh37 (hg19) VCF-style: chr16-2134257-A-T.
Other names: c.3833A>T, p.Lys1278Met (NM_001077183.3); c.3965A>T, p.Lys1322Met (NM_001114382.3); c.3725A>T, p.Lys1242Met (NM_001318827.2); c.3689A>T, p.Lys1230Met (NM_001318829.2); c.3302A>T, p.Lys1101Met (NM_001318831.2); c.3866A>T, p.Lys1289Met (NM_001318832.2); c.3836A>T, p.Lys1279Met (NM_001363528.2); c.3902A>T, p.Lys1301Met (NM_001370404.1); and 1 more; short protein forms K1345M, K1230M, K1242M, K1278M, K1279M, K1322M, K1301M, K1302M.
Identifiers: ClinVar variation 468060 (VCV000468060.8), dbSNP rs1302353294, ClinGen allele CA394299263.